The following is an entry in ClinVar:

ClinVar aggregate classification (germline): Uncertain significance (1 of 4 stars; one submission).

gnomAD v4.1: 1 of 1,614,096 alleles (0.000062%); highest among the groups gnomAD compares: African/African-American, 0.0013%; no homozygotes.

Submission:

GeneDx
Classification: Uncertain significance. Last evaluated: 2026-04-23. Review status: criteria provided, single submitter. Criteria: GeneDx Variant Classification Process June 2021. Collection method: clinical testing. Allele origin: germline.
Comment: Not observed at significant frequency in large population cohorts (gnomAD); In silico analysis suggests that this missense variant does not alter protein structure/function; Has not been previously published as pathogenic or benign to our knowledge

NM_015340.4(LARS2):c.1375A>G (p.Ile459Val)

Genes: LARS2 (leucyl-tRNA synthetase 2, mitochondrial; plus strand), LARS2-AS1 (LARS2 antisense RNA 1; minus strand). Cytogenetic location: 3p21.31.
Variant type: single nucleotide variant.
Coding change: c.1375A>G on transcript NM_015340.4 (MANE Select); coding-DNA position 1375, A replaced by G.
Protein change: p.Ile459Val; replaces isoleucine 459 with valine.
Molecular consequence: missense variant.
Genome position (GRCh38, 1-based): chr3:45,491,652, A>G. VCF-style: chr3-45491652-A-G. GRCh37 (hg19) VCF-style: chr3-45533144-A-G.
Other names: c.1375A>G, p.Ile459Val (NM_001368263.1); short protein forms I459V.
Identifiers: ClinVar variation 5037021 (VCV005037021.1).